The following is an entry in ClinVar:

NM_144499.3(GNAT1):c.882C>T (p.Asp294=)

Gene: GNAT1 (G protein subunit alpha transducin 1; plus strand). Cytogenetic location: 3p21.31.
Variant type: single nucleotide variant.
Coding change: c.882C>T on transcript NM_144499.3 (MANE Select); coding-DNA position 882, C replaced by T.
Protein change: p.Asp294=; no amino-acid change (aspartic acid 294 retained).
Molecular consequence: synonymous variant.
Genome position (GRCh38, 1-based): chr3:50,194,784, C>T. VCF-style: chr3-50194784-C-T. GRCh37 (hg19) VCF-style: chr3-50232217-C-T.
Other names: c.882C>T, p.Asp294= (NM_000172.4).
Identifiers: ClinVar variation 346053 (VCV000346053.15), dbSNP rs775329814, ClinGen allele CA2412758.
Genomic context (GRCh38, chr3:50,194,784, plus strand): 5'-GAAGGAAGGGCTGAGCAGAGTGAGAGCTCCCGCCCCCGCAGGACCCAACACCTACGAGGA[C>T]GCCGGCAACTACATCAAGGTGCAGTTCCTCGAGCTCAACATGCGGCGCGACGTGAAGGAG-3'
Protein context (NP_653082.1, residues 284-304): PDYDGPNTYE[Asp294=]AGNYIKVQFL

ClinVar aggregate classification (germline): Conflicting classifications of pathogenicity. Review status: criteria provided, conflicting classifications (1 of 4 stars). 4 submissions from 4 submitters: Uncertain significance (1); Likely benign (2). 1 of the submissions does not count toward it. Last evaluated 2025-06-12.

Conditions:
Congenital stationary night blindness autosomal dominant 3. Also called: NIGHT BLINDNESS, CONGENITAL STATIONARY, NOUGARET TYPE. Identifiers: Orphanet 215, MedGen C1864870, MONDO:0012497, OMIM 610444.
GNAT1-related disorder. Also called: GNAT1-related condition.

Allele frequency attached by ClinVar (database versions not stated): ExAC 0.00003; gnomAD exomes 0.00004; TOPMed 0.00005; gnomAD 0.00006 and 0.00007.
gnomAD v4.1: 91 of 1,613,684 alleles (0.0056%); highest among the groups gnomAD compares: Non-Finnish European, 0.0075%; no homozygotes.

Submissions (4):

Labcorp Genetics (formerly Invitae), Labcorp
Classification: Likely benign. Last evaluated: 2025-06-12. Review status: criteria provided, single submitter. Criteria: Invitae Variant Classification Sherloc (09022015). Collection method: clinical testing. Allele origin: germline.

Blueprint Genetics
Classification: Likely benign. Last evaluated: 2022-06-24. Review status: criteria provided, single submitter. Criteria: ACMG Guidelines, 2015. Collection method: clinical testing. Allele origin: germline.

Illumina Laboratory Services, Illumina
Classification: Uncertain significance for Congenital stationary night blindness autosomal dominant 3. Last evaluated: 2018-01-13. Review status: criteria provided, single submitter. Criteria: ICSL Variant Classification Criteria 13 December 2019. Collection method: clinical testing. Allele origin: germline.

PreventionGenetics, part of Exact Sciences
Classification: Likely benign for GNAT1-related condition. Last evaluated: 2019-09-13. Review status: no assertion criteria provided. Collection method: clinical testing. Allele origin: germline. Not counted in ClinVar's aggregate classification.
Comment: This variant is classified as likely benign based on ACMG/AMP sequence variant interpretation guidelines (Richards et al. 2015 PMID: 25741868, with internal and published modifications).